The following is an entry in ClinVar:

NM_001854.4(COL11A1):c.5296A>T (p.Thr1766Ser)

Gene: COL11A1 (collagen type XI alpha 1 chain; minus strand). Cytogenetic location: 1p21.1.
Variant type: single nucleotide variant.
Coding change: c.5296A>T on transcript NM_001854.4 (MANE Select); coding-DNA position 5296, A replaced by T.
Protein change: p.Thr1766Ser; replaces threonine 1766 with serine.
Molecular consequence: missense variant. On other transcripts: non-coding transcript variant (1).
Genome position (GRCh38, 1-based): chr1:102,878,144, T>A on the plus strand (A>T on the coding strand, the complement: COL11A1 is on the minus strand). VCF-style: chr1-102878144-T-A. GRCh37 (hg19) VCF-style: chr1-103343700-T-A.
Other names: c.5179A>T, p.Thr1727Ser (NM_001190709.2); c.5332A>T, p.Thr1778Ser (NM_080629.3); c.4948A>T, p.Thr1650Ser (NM_080630.4); short protein forms T1778S, T1650S, T1727S, T1766S.
Identifiers: ClinVar variation 1414542 (VCV001414542.8), dbSNP rs1557764324, ClinGen allele CA341210660.
Genomic context (GRCh38, chr1:102,878,144, plus strand): 5'-TGATCATGACATCAACAATAGGTACTTGATCAATTTTTGGTGTATTGATTTCAATGACAG[T>A]CTTTTCATAGCCTTTTCTGGACTGTAAAATAAAGCAGAAATAAAAAGTTATACAATCTTT-3'
Protein context (NP_001845.3, residues 1756-1776): GCASRKGYEK[Thr1766Ser]VIEINTPKID

ClinVar aggregate classification (germline): Uncertain significance (1 of 4 stars; one submission).

Submission:

Labcorp Genetics (formerly Invitae), Labcorp
Classification: Uncertain significance. Last evaluated: 2022-03-10. Review status: criteria provided, single submitter. Criteria: Invitae Variant Classification Sherloc (09022015). Collection method: clinical testing. Allele origin: germline.
Comment: In summary, the available evidence is currently insufficient to determine the role of this variant in disease. Therefore, it has been classified as a Variant of Uncertain Significance. Advanced modeling of protein sequence and biophysical properties (such as structural, functional, and spatial information, amino acid conservation, physicochemical variation, residue mobility, and thermodynamic stability) performed at Invitae indicates that this missense variant is not expected to disrupt COL11A1 protein function. This variant has not been reported in the literature in individuals affected with COL11A1-related conditions. This variant is not present in population databases (gnomAD no frequency). This sequence change replaces threonine, which is neutral and polar, with serine, which is neutral and polar, at codon 1766 of the COL11A1 protein (p.Thr1766Ser).